The following is an entry in ClinVar:

ClinVar aggregate classification (germline): Pathogenic (1 of 4 stars; one submission).

Conditions:
Complement component 3 deficiency. Identifiers: Orphanet 280133, MedGen C3151071, MONDO:0013417, OMIM 613779.

gnomAD v4.1: 5 of 1,613,868 alleles (0.00031%); highest among the groups gnomAD compares: Admixed American, 0.0017%; no homozygotes.

Submission:

Genomenon, Inc
Classification: Pathogenic for Complement component 3 deficiency. Last evaluated: 2025-09-30. Review status: criteria provided, single submitter. Criteria: Genomenon Sequence Variant Interpretation Standards. Collection method: curation. Allele origin: germline. Affected: yes.
Comment: C3 p.Arg848Ter (c.2542C>T) is a nonsense variant that introduces a premature stop codon at amino acid position 848, creating a truncated protein that is predicted to undergo nonsense-mediated mRNA decay. This variant has been observed in at least one proband affected with C3 deficiency (PMID:14639503). It is absent or not present at a significant frequency in gnomAD. In conclusion, we classify C3 p.Arg848Ter (c.2542C>T) as a pathogenic variant.

Literature cited by the submitters: PubMed 14639503.

NM_000064.4(C3):c.2542C>T (p.Arg848Ter)

Gene: C3 (complement C3; minus strand). Cytogenetic location: 19p13.3.
Variant type: single nucleotide variant.
Coding change: c.2542C>T on transcript NM_000064.4 (MANE Select); coding-DNA position 2542, C replaced by T.
Protein change: p.Arg848Ter; replaces arginine 848 with a stop codon.
Molecular consequence: nonsense.
Genome position (GRCh38, 1-based): chr19:6,697,693, G>A on the plus strand (C>T on the coding strand, the complement: C3 is on the minus strand). VCF-style: chr19-6697693-G-A. GRCh37 (hg19) VCF-style: chr19-6697704-G-A.
Other names: short protein forms R848*.
Identifiers: ClinVar variation 4280244 (VCV004280244.1).